The following is an entry in ClinVar:

NM_000094.4(COL7A1):c.403C>A (p.Leu135Met)

Gene: COL7A1 (collagen type VII alpha 1 chain; minus strand). Cytogenetic location: 3p21.31.
Variant type: single nucleotide variant.
Coding change: c.403C>A on transcript NM_000094.4 (MANE Select); coding-DNA position 403, C replaced by A.
Protein change: p.Leu135Met; replaces leucine 135 with methionine.
Molecular consequence: missense variant.
Genome position (GRCh38, 1-based): chr3:48,593,560, G>T on the plus strand (C>A on the coding strand, the complement: COL7A1 is on the minus strand). VCF-style: chr3-48593560-G-T. GRCh37 (hg19) VCF-style: chr3-48630993-G-T.
Other names: short protein forms L135M.
Identifiers: ClinVar variation 1433553 (VCV001433553.4), dbSNP rs145560571, ClinGen allele CA2381562.
Genomic context (GRCh38, chr3:48,593,560, plus strand): 5'-GGGTCATCTTGGGAGGCATGGTAGGGGTAGGGATCACCTTGGGGACACCAGGTCGGGCCA[G>T]CTGGGGCAGGAAGACATGGTCAGCCACATGGAGAATTGCAGCCCCTGTGCGAGTGTTGCC-3'
Protein context (NP_000085.1, residues 125-145): HVADHVFLPQ[Leu135Met]ARPGVPKVCI

ClinVar aggregate classification (germline): Uncertain significance (1 of 4 stars; one submission).

Allele frequency attached by ClinVar (database versions not stated): gnomAD exomes below 0.00001; ExAC 0.00001; ESP Exome Variant Server 0.00008.
gnomAD v4.1: 3 of 1,614,208 alleles (0.00019%); highest among the groups gnomAD compares: Non-Finnish European, 0.00025%; no homozygotes.

Submission:

Labcorp Genetics (formerly Invitae), Labcorp
Classification: Uncertain significance. Last evaluated: 2025-05-19. Review status: criteria provided, single submitter. Criteria: Invitae Variant Classification Sherloc (09022015). Collection method: clinical testing. Allele origin: germline.
Comment: This sequence change replaces leucine, which is neutral and non-polar, with methionine, which is neutral and non-polar, at codon 135 of the COL7A1 protein (p.Leu135Met). This variant is present in population databases (rs145560571, gnomAD 0.0009%). This variant has not been reported in the literature in individuals affected with COL7A1-related conditions. ClinVar contains an entry for this variant (Variation ID: 1433553). Invitae Evidence Modeling of protein sequence and biophysical properties (such as structural, functional, and spatial information, amino acid conservation, physicochemical variation, residue mobility, and thermodynamic stability) indicates that this missense variant is not expected to disrupt COL7A1 protein function with a negative predictive value of 95%. In summary, the available evidence is currently insufficient to determine the role of this variant in disease. Therefore, it has been classified as a Variant of Uncertain Significance.